The following is an entry in ClinVar:

ClinVar aggregate classification (germline): Likely benign (1 of 4 stars; one submission).

Allele frequency attached by ClinVar (database versions not stated): ExAC 0.00013.
gnomAD v4.1: 37 of 1,162,449 alleles (0.0032%); highest among the groups gnomAD compares: South Asian, 0.057%; 1 homozygote.

Submission:

CeGaT Center for Human Genetics Tuebingen
Classification: Likely benign. Last evaluated: 2023-10-01. Review status: criteria provided, single submitter. Criteria: CeGaT Center For Human Genetics Tuebingen Variant Classification Criteria Version 2. Collection method: clinical testing. Allele origin: germline. Affected: yes. Observed: 1 variant allele.
Comment: ZIC3: BP4, BP7, BS2

NM_003413.4(ZIC3):c.159C>T (p.Ala53=)

Gene: ZIC3 (Zic family zinc finger 3; plus strand). Cytogenetic location: Xq26.3.
Variant type: single nucleotide variant.
Coding change: c.159C>T on transcript NM_003413.4 (MANE Select); coding-DNA position 159, C replaced by T.
Protein change: p.Ala53=; no amino-acid change (alanine 53 retained).
Molecular consequence: synonymous variant.
Genome position (GRCh38, 1-based): chrX:137,566,850, C>T. VCF-style: chrX-137566850-C-T. GRCh37 (hg19) VCF-style: chrX-136649009-C-T.
Other names: c.159C>T, p.Ala53= (NM_001330661.1).
Identifiers: ClinVar variation 2661527 (VCV002661527.24), dbSNP rs1556029767, ClinGen allele CA10529276.